The following is an entry in ClinVar:

NM_001851.6(COL9A1):c.975+8G>A

Gene: COL9A1 (collagen type IX alpha 1 chain; minus strand). Cytogenetic location: 6q13.
Variant type: single nucleotide variant.
Coding change: c.975+8G>A on transcript NM_001851.6 (MANE Select); 8 bases into the intron after coding-DNA position 975, G replaced by A.
Molecular consequence: intron variant.
Genome position (GRCh38, 1-based): chr6:70,280,804, C>T on the plus strand (G>A on the coding strand, the complement: COL9A1 is on the minus strand). VCF-style: chr6-70280804-C-T. GRCh37 (hg19) VCF-style: chr6-70990507-C-T.
Other names: c.246+8G>A (NM_001377290.1, NM_078485.4, NM_001377289.1); c.975+8G>A (NM_001377291.1).
Identifiers: ClinVar variation 1419059 (VCV001419059.6), dbSNP rs2127597148, ClinGen allele CA2573141161.

ClinVar aggregate classification (germline): Uncertain significance (1 of 4 stars; one submission).

Allele frequency attached by ClinVar (database versions not stated): gnomAD exomes below 0.00001.
gnomAD v4.1: 1 of 1,611,808 alleles (0.000062%); highest among the groups gnomAD compares: Non-Finnish European, 0.000085%; no homozygotes.

Submission:

Labcorp Genetics (formerly Invitae), Labcorp
Classification: Uncertain significance. Last evaluated: 2021-10-04. Review status: criteria provided, single submitter. Criteria: Invitae Variant Classification Sherloc (09022015). Collection method: clinical testing. Allele origin: germline.
Comment: This variant is not present in population databases (ExAC no frequency). This sequence change falls in intron 10 of the COL9A1 gene. It does not directly change the encoded amino acid sequence of the COL9A1 protein. This variant has not been reported in the literature in individuals affected with COL9A1-related conditions. In summary, the available evidence is currently insufficient to determine the role of this variant in disease. Therefore, it has been classified as a Variant of Uncertain Significance. Algorithms developed to predict the effect of sequence changes on RNA splicing suggest that this variant may create or strengthen a splice site.